The following is an entry in ClinVar:

NM_001023.4(RPS20):c.257A>C (p.Lys86Thr)

Gene: RPS20 (ribosomal protein S20; minus strand). Cytogenetic location: 8q12.1.
Variant type: single nucleotide variant.
Coding change: c.257A>C on transcript NM_001023.4 (MANE Select); coding-DNA position 257, A replaced by C.
Protein change: p.Lys86Thr; replaces lysine 86 with threonine.
Molecular consequence: missense variant.
Genome position (GRCh38, 1-based): chr8:56,073,193, T>G on the plus strand (A>C on the coding strand, the complement: RPS20 is on the minus strand). VCF-style: chr8-56073193-T-G. GRCh37 (hg19) VCF-style: chr8-56985752-T-G.
Other names: c.257A>C, p.Lys86Thr (NM_001146227.3); short protein forms K86T.
Identifiers: ClinVar variation 1793344 (VCV001793344.2), dbSNP rs2486981929, ClinGen allele CA371282945.

ClinVar aggregate classification (germline): Uncertain significance (1 of 4 stars; one submission).

Submission:

Ambry Genetics
Classification: Uncertain significance. Last evaluated: 2021-12-10. Review status: criteria provided, single submitter. Criteria: Ambry Variant Classification Scheme 2023. Collection method: clinical testing. Allele origin: germline.
Comment: The p.K86T variant (also known as c.257A>C), located in coding exon 4 of the RPS20 gene, results from an A to C substitution at nucleotide position 257. The lysine at codon 86 is replaced by threonine, an amino acid with similar properties. This amino acid position is conserved. In addition, this alteration is predicted to be deleterious by in silico analysis. Since supporting evidence is limited at this time, the clinical significance of this alteration remains unclear.